The following is an entry in ClinVar:

ClinVar aggregate classification (germline): Uncertain significance (1 of 4 stars; one submission).

Conditions:
Progressive sclerosing poliodystrophy (MTDPS4A). Also called: NEURONAL DEGENERATION OF CHILDHOOD WITH LIVER DISEASE, PROGRESSIVE; ALPERS PROGRESSIVE INFANTILE POLIODYSTROPHY; Alpers-Huttenlocher Syndrome (AHS); Mitochondrial DNA depletion syndrome 4A (Alpers type); Mitochondrial DNA Depletion Syndrome 4A; Alpers Syndrome. Identifiers: Orphanet 726, MedGen C0205710, MONDO:0008758, OMIM 203700.

Submission:

Labcorp Genetics (formerly Invitae), Labcorp
Classification: Uncertain significance for Progressive sclerosing poliodystrophy. Last evaluated: 2017-02-11. Review status: criteria provided, single submitter. Criteria: Invitae Variant Classification Sherloc (09022015). Collection method: clinical testing. Allele origin: germline.
Comment: In summary, this is a novel intronic change with uncertain impact on splicing. It has been classified as a Variant of Uncertain Significance. Nucleotide substitutions within the consensus splice site are relatively common causes of aberrant splicing (PMID: 17576681, 9536098). Algorithms developed to predict the effect of nucleotide changes on RNA splicing suggest that this variant may alter RNA splicing, but this prediction has not been confirmed by published transcriptional studies. This variant is not present in population databases (ExAC no frequency). This sequence change falls in intron 9 of the POLG gene. It does not directly change the encoded amino acid sequence of the POLG protein, but it affects a nucleotide within the consensus splice site of the intron.

Literature cited by the submitters: PubMed 17576681; PubMed 9536098.

NM_002693.3(POLG):c.1712+4A>C

Gene: POLG (DNA polymerase gamma, catalytic subunit; minus strand). Cytogenetic location: 15q26.1.
Variant type: single nucleotide variant.
Coding change: c.1712+4A>C on transcript NM_002693.3 (MANE Select); 4 bases into the intron after coding-DNA position 1712, A replaced by C.
Molecular consequence: intron variant.
Genome position (GRCh38, 1-based): chr15:89,326,608, T>G on the plus strand (A>C on the coding strand, the complement: POLG is on the minus strand). VCF-style: chr15-89326608-T-G. GRCh37 (hg19) VCF-style: chr15-89869839-T-G.
Other names: c.1712+4A>C (NM_001126131.2).
Identifiers: ClinVar variation 458693 (VCV000458693.7), dbSNP rs1555453528, ClinGen allele CA658658321.